The following is an entry in ClinVar:

ClinVar aggregate classification (germline): Likely pathogenic. Review status: criteria provided, multiple submitters, no conflicts (2 of 4 stars). 2 submissions from 2 submitters: Likely pathogenic (2). Last evaluated 2025-09-03.

Conditions:
Bone fragility with contractures, arterial rupture, and deafness. Also called: LH3 DEFICIENCY; LYSYL HYDROXYLASE 3 DEFICIENCY; BCARD SYNDROME; BONE ABNORMALITIES, CATARACT, ARTERIAL RUPTURE, AND DEAFNESS. Identifiers: Orphanet 300284, MedGen C2676285, MONDO:0012892, OMIM 612394.

Submissions (2):

First Genomix Gene Laboratory, Genetic Diagnostics Department
Classification: Likely pathogenic for Bone fragility with contractures, arterial rupture, and deafness. Last evaluated: 2025-09-03. Review status: criteria provided, single submitter. Criteria: ACMG Guidelines, 2015. Collection method: clinical testing. Allele origin: germline. Inheritance: Autosomal recessive inheritance. Affected: no. Observed: 1 variant allele.

Genomic Medicine Center of Excellence, King Faisal Specialist Hospital and Research Centre
Classification: Likely pathogenic for Bone fragility with contractures, arterial rupture, and deafness. Last evaluated: 2024-03-26. Review status: criteria provided, single submitter. Criteria: ACMG Guidelines, 2015. Collection method: clinical testing. Allele origin: germline.

NM_001084.5(PLOD3):c.1359-1G>C

Gene: PLOD3 (procollagen-lysine,2-oxoglutarate 5-dioxygenase 3; minus strand). Cytogenetic location: 7q22.1.
Variant type: single nucleotide variant.
Coding change: c.1359-1G>C on transcript NM_001084.5 (MANE Select); the canonical splice acceptor site of the intron before coding-DNA position 1359, G replaced by C.
Molecular consequence: splice acceptor variant.
Genome position (GRCh38, 1-based): chr7:101,210,674, C>G on the plus strand (G>C on the coding strand, the complement: PLOD3 is on the minus strand). VCF-style: chr7-101210674-C-G. GRCh37 (hg19) VCF-style: chr7-100853955-C-G.
Identifiers: ClinVar variation 3065547 (VCV003065547.1), dbSNP rs753360539, ClinGen allele CA368615451.
Genomic context (GRCh38, chr7:101,210,674, plus strand): 5'-CGCAGGGTATCACCCCGGATCACATAGGCCTGGGAGATGTATGGTACATTCCACACACCC[C>G]TGGAGGCACCGACACCGCGGTCAGCTGGGAGGACAGCCCCCCAAATTCTGCCCAGCTCAT-3'